The following is an entry in ClinVar:

NM_001377.3(DYNC2H1):c.10252C>G (p.Gln3418Glu)

Gene: DYNC2H1 (dynein cytoplasmic 2 heavy chain 1; plus strand). Cytogenetic location: 11q22.3.
Variant type: single nucleotide variant.
Coding change: c.10252C>G on transcript NM_001377.3 (MANE Select); coding-DNA position 10252, C replaced by G.
Protein change: p.Gln3418Glu; replaces glutamine 3418 with glutamic acid.
Molecular consequence: missense variant.
Genome position (GRCh38, 1-based): chr11:103,255,460, C>G. VCF-style: chr11-103255460-C-G. GRCh37 (hg19) VCF-style: chr11-103126189-C-G.
Other names: c.10273C>G, p.Gln3425Glu (NM_001080463.2); c.10273C>G (NM_001080463.1); short protein forms Q3418E, Q3425E.
Identifiers: ClinVar variation 1550350 (VCV001550350.10), dbSNP rs543525711, ClinGen allele CA6254936.

ClinVar aggregate classification (germline): Conflicting classifications of pathogenicity. Review status: criteria provided, conflicting classifications (1 of 4 stars). 3 submissions from 3 submitters: Uncertain significance (2); Likely benign (1). Last evaluated 2026-06-01.

Conditions:
Inborn genetic diseases. Identifiers: MedGen C0950123, MeSH D030342.
Jeune thoracic dystrophy. Also called: Jeune syndrome; Infantile thoracic dystrophy; Thoracic pelvic phalangeal dystrophy; Jeune's syndrome; Chondroectodermal dysplasia-like syndrome; Short-rib thoracic dysplasia. Identifiers: Orphanet 474, MedGen C0265275, MONDO:0018770.

Allele frequency attached by ClinVar (database versions not stated): 1000 Genomes Project 30x 0.00031; 1000 Genomes Project 0.00020.
gnomAD v4.1: 38 of 1,568,780 alleles (0.0024%); highest among the groups gnomAD compares: South Asian, 0.041%; no homozygotes.

Submissions (3):

CeGaT Center for Human Genetics Tuebingen
Classification: Uncertain significance. Last evaluated: 2026-06-01. Review status: criteria provided, single submitter. Criteria: CeGaT Center For Human Genetics Tuebingen Variant Classification Criteria Version 2. Collection method: clinical testing. Allele origin: germline. Affected: yes. Observed: 1 variant allele.
Comment: DYNC2H1: PM2

Labcorp Genetics (formerly Invitae), Labcorp
Classification: Likely benign for Jeune thoracic dystrophy. Last evaluated: 2025-12-22. Review status: criteria provided, single submitter. Criteria: Invitae Variant Classification Sherloc (09022015). Collection method: clinical testing. Allele origin: germline.

Ambry Genetics
Classification: Uncertain significance for Inborn genetic diseases. Last evaluated: 2022-01-04. Review status: criteria provided, single submitter. Criteria: Ambry Variant Classification Scheme 2023. Collection method: clinical testing. Allele origin: germline.